The following is an entry in ClinVar:

NM_001134363.3(RBM20):c.41_42delinsAA (p.Ser14Lys)

Gene: RBM20 (RNA binding motif protein 20; plus strand). Cytogenetic location: 10q25.2.
Variant type: Indel.
Coding change: c.41_42delinsAA on transcript NM_001134363.3 (MANE Select); coding-DNA positions 41 to 42, GC replaced by AA.
Protein change: p.Ser14Lys; replaces serine 14 with lysine.
Molecular consequence: missense variant.
Genome position (GRCh38, 1-based): chr10:110,644,495-110,644,496, GC replaced by AA. VCF-style: chr10-110644495-GC-AA. GRCh37 (hg19) VCF-style: chr10-112404253-GC-AA.
Other names: short protein forms S14K.
Identifiers: ClinVar variation 3660643 (VCV003660643.2).

ClinVar aggregate classification (germline): Uncertain significance (1 of 4 stars; one submission).

Conditions:
Dilated cardiomyopathy 1DD (CMD1DD). Identifiers: Orphanet 154, MedGen C2750995, MONDO:0013168, OMIM 613172.

Submission:

Labcorp Genetics (formerly Invitae), Labcorp
Classification: Uncertain significance for Dilated cardiomyopathy 1DD. Last evaluated: 2024-07-25. Review status: criteria provided, single submitter. Criteria: Invitae Variant Classification Sherloc (09022015). Collection method: clinical testing. Allele origin: germline.
Comment: This sequence change replaces serine, which is neutral and polar, with lysine, which is basic and polar, at codon 14 of the RBM20 protein (p.Ser14Lys). Information on the frequency of this variant in the gnomAD database is not available, as this variant may be reported differently in the database. This variant has not been reported in the literature in individuals affected with RBM20-related conditions. An algorithm developed to predict the effect of missense changes on protein structure and function (PolyPhen-2) suggests that this variant is likely to be disruptive. In summary, the available evidence is currently insufficient to determine the role of this variant in disease. Therefore, it has been classified as a Variant of Uncertain Significance.